The following is an entry in ClinVar:

NM_000718.4(CACNA1B):c.1242C>T (p.Asp414=)

Gene: CACNA1B (calcium voltage-gated channel subunit alpha1 B; plus strand). Cytogenetic location: 9q34.3.
Variant type: single nucleotide variant.
Coding change: c.1242C>T on transcript NM_000718.4 (MANE Select); coding-DNA position 1242, C replaced by T.
Protein change: p.Asp414=; no amino-acid change (aspartic acid 414 retained).
Molecular consequence: synonymous variant.
Genome position (GRCh38, 1-based): chr9:137,956,826, C>T. VCF-style: chr9-137956826-C-T. GRCh37 (hg19) VCF-style: chr9-140851278-C-T.
Other names: c.1242C>T, p.Asp414= (NM_001243812.2).
Identifiers: ClinVar variation 2417930 (VCV002417930.12), dbSNP rs199847935, ClinGen allele CA5376087.
Genomic context (GRCh38, chr9:137,956,826, plus strand): 5'-CGCAGAGGAAGTCATGCTGGCCGAGGAGGACAGGAATGCAGAGGAGAAGTCCCCTTTGGA[C>T]GGTAGGTGGCACTTGCTGGTACTCCTGTGTGGTGGAGTGCTCTGGTGGCCACGTGGGTGG-3'
Protein context (NP_000709.1, residues 404-424): DRNAEEKSPL[Asp414=]VLKRAATKKS

ClinVar aggregate classification (germline): Conflicting classifications of pathogenicity. Review status: criteria provided, conflicting classifications (1 of 4 stars). 2 submissions from 2 submitters: Uncertain significance (1); Likely benign (1). Last evaluated 2026-03-01.

Allele frequency attached by ClinVar (database versions not stated): gnomAD 0.00001; TOPMed 0.00003; gnomAD exomes 0.00004; ExAC 0.00005.
gnomAD v4.1: 58 of 1,612,814 alleles (0.0036%); highest among the groups gnomAD compares: South Asian, 0.0066%; no homozygotes.

Submissions (2):

CeGaT Center for Human Genetics Tuebingen
Classification: Likely benign. Last evaluated: 2026-03-01. Review status: criteria provided, single submitter. Criteria: CeGaT Center For Human Genetics Tuebingen Variant Classification Criteria Version 2. Collection method: clinical testing. Allele origin: germline. Affected: yes. Observed: 2 variant alleles.
Comment: CACNA1B: BP4, BP7

Labcorp Genetics (formerly Invitae), Labcorp
Classification: Uncertain significance. Last evaluated: 2022-05-31. Review status: criteria provided, single submitter. Criteria: Invitae Variant Classification Sherloc (09022015). Collection method: clinical testing. Allele origin: germline.
Comment: This sequence change affects codon 414 of the CACNA1B mRNA. It is a 'silent' change, meaning that it does not change the encoded amino acid sequence of the CACNA1B protein. It affects a nucleotide within the consensus splice site. This variant is present in population databases (rs199847935, gnomAD 0.008%). This variant has not been reported in the literature in individuals affected with CACNA1B-related conditions. Algorithms developed to predict the effect of sequence changes on RNA splicing suggest that this variant is not likely to affect RNA splicing. In summary, the available evidence is currently insufficient to determine the role of this variant in disease. Therefore, it has been classified as a Variant of Uncertain Significance.